The following is an entry in ClinVar:

ClinVar aggregate classification (germline): Likely benign (1 of 4 stars; one submission).

Conditions:
EP300-related disorder. Also called: EP300-related condition; EP300-related disorders.

gnomAD v4.1: 1 of 1,614,042 alleles (0.000062%); highest among the groups gnomAD compares: Admixed American, 0.0017%; no homozygotes.

Submission:

PreventionGenetics, part of Exact Sciences
Classification: Likely benign for EP300-related condition. Last evaluated: 2026-02-13. Review status: criteria provided, single submitter. Criteria: ACMG Guidelines, 2015. Collection method: clinical testing. Allele origin: germline.
Comment: This variant is classified as likely benign based on ACMG/AMP sequence variant interpretation guidelines (Richards et al. 2015 PMID: 25741868, with internal and published modifications).

NM_001429.4(EP300):c.5197C>T (p.Leu1733=)

Gene: EP300 (EP300 lysine acetyltransferase; plus strand). Cytogenetic location: 22q13.2.
Variant type: single nucleotide variant.
Coding change: c.5197C>T on transcript NM_001429.4 (MANE Select); coding-DNA position 5197, C replaced by T.
Protein change: p.Leu1733=; no amino-acid change (leucine 1733 retained).
Molecular consequence: synonymous variant.
Genome position (GRCh38, 1-based): chr22:41,176,908, C>T. VCF-style: chr22-41176908-C-T. GRCh37 (hg19) VCF-style: chr22-41572912-C-T.
Other names: c.5119C>T, p.Leu1707= (NM_001362843.2).
Identifiers: ClinVar variation 4988852 (VCV004988852.1).